The following is an entry in ClinVar:

NM_002855.5(NECTIN1):c.1079T>G (p.Val360Gly)

Gene: NECTIN1 (nectin cell adhesion molecule 1; minus strand). Cytogenetic location: 11q23.3.
Variant type: single nucleotide variant.
Coding change: c.1079T>G on transcript NM_002855.5 (MANE Select); coding-DNA position 1079, T replaced by G.
Protein change: p.Val360Gly; replaces valine 360 with glycine.
Molecular consequence: missense variant. On other transcripts: intron variant (1).
Genome position (GRCh38, 1-based): chr11:119,665,222, A>C on the plus strand (T>G on the coding strand, the complement: NECTIN1 is on the minus strand). VCF-style: chr11-119665222-A-C. GRCh37 (hg19) VCF-style: chr11-119535932-A-C.
Other names: c.1003+9937T>G (NM_203285.2); short protein forms V360G.
Identifiers: ClinVar variation 2124808 (VCV002124808.4), dbSNP rs2496784693, ClinGen allele CA382983683.
Genomic context (GRCh38, chr11:119,665,222, plus strand): 5'-CGACGCAGGGCGACCACGATCCCGCCGACCACAATCAACACCAGCAGGATGCTCCCCGCC[A>C]CGCCCCCAATGATGGCCGTGGGCACCGGCCCGGCGCGCCGCCCATGTTCGGGAGGAGACG-3'
Protein context (NP_002846.3, residues 350-370): GPVPTAIIGG[Val360Gly]AGSILLVLIV

ClinVar aggregate classification (germline): Uncertain significance (1 of 4 stars; one submission).

Submission:

Labcorp Genetics (formerly Invitae), Labcorp
Classification: Uncertain significance. Last evaluated: 2022-04-21. Review status: criteria provided, single submitter. Criteria: Invitae Variant Classification Sherloc (09022015). Collection method: clinical testing. Allele origin: germline.
Comment: Algorithms developed to predict the effect of missense changes on protein structure and function are either unavailable or do not agree on the potential impact of this missense change (SIFT: "Deleterious"; PolyPhen-2: "Benign"; Align-GVGD: "Class C0"). This variant has not been reported in the literature in individuals affected with NECTIN1-related conditions. This variant is not present in population databases (gnomAD no frequency). This sequence change replaces valine, which is neutral and non-polar, with glycine, which is neutral and non-polar, at codon 360 of the NECTIN1 protein (p.Val360Gly). In summary, the available evidence is currently insufficient to determine the role of this variant in disease. Therefore, it has been classified as a Variant of Uncertain Significance.